The following is an entry in ClinVar:

ClinVar aggregate classification (germline): Uncertain significance. Review status: criteria provided, multiple submitters, no conflicts (2 of 4 stars). 2 submissions from 2 submitters: Uncertain significance (2). Last evaluated 2023-11-17.

Conditions:
Inborn genetic diseases. Identifiers: MedGen C0950123, MeSH D030342.

Allele frequency attached by ClinVar (database versions not stated): ExAC 0.00001; TOPMed 0.00001; gnomAD 0.00002.
gnomAD v4.1: 22 of 1,614,040 alleles (0.0014%); highest among the groups gnomAD compares: East Asian, 0.045%; no homozygotes.

Submissions (2):

Ambry Genetics
Classification: Uncertain significance for Inborn genetic diseases. Last evaluated: 2023-11-17. Review status: criteria provided, single submitter. Criteria: Ambry Variant Classification Scheme 2023. Collection method: clinical testing. Allele origin: germline.

Labcorp Genetics (formerly Invitae), Labcorp
Classification: Uncertain significance. Last evaluated: 2023-09-04. Review status: criteria provided, single submitter. Criteria: Invitae Variant Classification Sherloc (09022015). Collection method: clinical testing. Allele origin: germline.
Comment: This sequence change replaces valine, which is neutral and non-polar, with leucine, which is neutral and non-polar, at codon 33 of the SIN3A protein (p.Val33Leu). This variant is present in population databases (rs767054284, gnomAD 0.01%). This variant has not been reported in the literature in individuals affected with SIN3A-related conditions. An algorithm developed to predict the effect of missense changes on protein structure and function (PolyPhen-2) suggests that this variant is likely to be tolerated. In summary, the available evidence is currently insufficient to determine the role of this variant in disease. Therefore, it has been classified as a Variant of Uncertain Significance.

NM_001145358.2(SIN3A):c.97G>C (p.Val33Leu)

Gene: SIN3A (SIN3 transcription regulator family member A; minus strand). Cytogenetic location: 15q24.2.
Variant type: single nucleotide variant.
Coding change: c.97G>C on transcript NM_001145358.2 (MANE Select); coding-DNA position 97, G replaced by C.
Protein change: p.Val33Leu; replaces valine 33 with leucine.
Molecular consequence: missense variant.
Genome position (GRCh38, 1-based): chr15:75,430,279, C>G on the plus strand (G>C on the coding strand, the complement: SIN3A is on the minus strand). VCF-style: chr15-75430279-C-G. GRCh37 (hg19) VCF-style: chr15-75722620-C-G.
Other names: c.97G>C, p.Val33Leu (NM_001145357.2, NM_015477.3); c.97G>C (NM_001145358.1); short protein forms V33L.
Identifiers: ClinVar variation 2908366 (VCV002908366.4), dbSNP rs767054284, ClinGen allele CA7667974.